The following is an entry in ClinVar:

ClinVar aggregate classification (germline): Uncertain significance. Review status: criteria provided, multiple submitters, no conflicts (2 of 4 stars). 4 submissions from 4 submitters: Uncertain significance (3). 1 of the submissions does not count toward it. Last evaluated 2021-08-25.

Conditions:
ABCC2-related disorder. Also called: ABCC2-related condition.
Dubin-Johnson syndrome (DJS). Also called: HYPERBILIRUBINEMIA, DUBIN-JOHNSON TYPE; Hyperbilirubinemia type 2; Jaundice, Chronic Idiopathic. Identifiers: Orphanet 234, MedGen C0022350, MONDO:0009380, OMIM 237500.

Allele frequency attached by ClinVar (database versions not stated): gnomAD 0.00001; gnomAD exomes 0.00009 and 0.00021; TOPMed 0.00010; ExAC 0.00012.
gnomAD v4.1: 53 of 1,614,116 alleles (0.0033%); highest among the groups gnomAD compares: Admixed American, 0.087%; 1 homozygote.

Submissions (5):

Fulgent Genetics
Classification: Uncertain significance for Dubin-Johnson syndrome. Last evaluated: 2021-08-25. Review status: criteria provided, single submitter. Criteria: ACMG Guidelines, 2015. Collection method: clinical testing. Allele origin: unknown.

Eurofins Ntd Llc (ga)
Classification: Uncertain significance. Last evaluated: 2018-05-23. Review status: criteria provided, single submitter. Criteria: EGL ClinVar v180209 classification definitions. Collection method: clinical testing. Allele origin: germline. Observed: 2 variant alleles, 2 heterozygotes.

Breakthrough Genomics
Classification: Uncertain significance. Review status: criteria provided, single submitter. Criteria: ACMG Guidelines, 2015. Collection method: not provided. Allele origin: germline. Inheritance: Autosomal recessive inheritance. Affected: yes.

PreventionGenetics, part of Exact Sciences
Classification: Uncertain significance for ABCC2-related condition. Last evaluated: 2024-06-19. Review status: no assertion criteria provided. Collection method: clinical testing. Allele origin: germline. Not counted in ClinVar's aggregate classification.
Comment: The ABCC2 c.2963T>A variant is predicted to result in the amino acid substitution p.Met988Lys. To our knowledge, this variant has not been reported in the literature. This variant is reported in 0.15% of alleles in individuals of Latino descent in gnomAD. At this time, the clinical significance of this variant is uncertain due to the absence of conclusive functional and genetic evidence.

Dr. Peter K. Rogan Lab, Western University
No classification provided (evidence only). Condition: Thyroid cancer, nonmedullary, 1. Review status: no classification provided. Collection method: in vitro. Allele origin: not applicable. Functional consequence: retained intron. Not counted in ClinVar's aggregate classification.

NM_000392.5(ABCC2):c.2963T>A (p.Met988Lys)

Gene: ABCC2 (ATP binding cassette subfamily C member 2; plus strand). Cytogenetic location: 10q24.2.
Variant type: single nucleotide variant.
Coding change: c.2963T>A on transcript NM_000392.5 (MANE Select); coding-DNA position 2963, T replaced by A.
Protein change: p.Met988Lys; replaces methionine 988 with lysine.
Molecular consequence: missense variant.
Genome position (GRCh38, 1-based): chr10:99,831,690, T>A. VCF-style: chr10-99831690-T-A. GRCh37 (hg19) VCF-style: chr10-101591447-T-A.
Other names: NC_000010.10:g.101591447T>A; c.2963T>A, p.Met988Lys (LRG_1208t1); c.2963T>A (NM_000392.4); short protein forms M988K.
Identifiers: ClinVar variation 597271 (VCV000597271.9), dbSNP rs748479566, ClinGen allele CA5643657.
Genomic context (GRCh38, chr10:99,831,690, plus strand): 5'-TGGAGTACCTACAAGCAATAGGATTGTTTTCGATATTCTTCATCATCCTTGCGTTTGTGA[T>A]GAATTCTGTGGCTTTTATTGGATCCAACCTCTGGCTCAGTGCTTGGACCAGTGACTCTAA-3'
Protein context (NP_000383.2, residues 978-998): SIFFIILAFV[Met988Lys]NSVAFIGSNL